The following is an entry in ClinVar:

NM_182972.3(IRF2BP2):c.1220C>G (p.Pro407Arg)

Gene: IRF2BP2 (interferon regulatory factor 2 binding protein 2; minus strand). Cytogenetic location: 1q42.3.
Variant type: single nucleotide variant.
Coding change: c.1220C>G on transcript NM_182972.3 (MANE Select); coding-DNA position 1220, C replaced by G.
Protein change: p.Pro407Arg; replaces proline 407 with arginine.
Molecular consequence: missense variant.
Genome position (GRCh38, 1-based): chr1:234,607,681, G>C on the plus strand (C>G on the coding strand, the complement: IRF2BP2 is on the minus strand). VCF-style: chr1-234607681-G-C. GRCh37 (hg19) VCF-style: chr1-234743427-G-C.
Other names: c.1172C>G, p.Pro391Arg (NM_001077397.1); short protein forms P391R, P407R.
Identifiers: ClinVar variation 3602556 (VCV003602556.1).

ClinVar aggregate classification (germline): Uncertain significance (1 of 4 stars; one submission).

Submission:

GeneDx
Classification: Uncertain significance. Last evaluated: 2024-08-03. Review status: criteria provided, single submitter. Criteria: GeneDx Variant Classification Process June 2021. Collection method: clinical testing. Allele origin: germline. Affected: yes.
Comment: Not observed at significant frequency in large population cohorts (gnomAD); In silico analysis supports that this missense variant has a deleterious effect on protein structure/function; Has not been previously published as pathogenic or benign to our knowledge